The following is an entry in ClinVar:

NM_001374736.1(DST):c.16770+1G>T

Gene: DST (dystonin; minus strand). Cytogenetic location: 6p12.1.
Variant type: single nucleotide variant.
Coding change: c.16770+1G>T on transcript NM_001374736.1 (MANE Select); the canonical splice donor site of the intron after coding-DNA position 16770, G replaced by T.
Molecular consequence: splice donor variant.
Genome position (GRCh38, 1-based): chr6:56,536,778, C>A on the plus strand (G>T on the coding strand, the complement: DST is on the minus strand). VCF-style: chr6-56536778-C-A. GRCh37 (hg19) VCF-style: chr6-56401576-C-A.
Other names: c.10413+1G>T (NM_001144769.5); c.16770+1G>T (NM_001374722.1); c.16797+1G>T (NM_001374734.1); c.9999+1G>T (NM_001144770.2); c.9879+1G>T (NM_001374730.1, NM_001386100.1, NM_183380.4); c.16137+1G>T (NM_001374729.1); c.8901+1G>T (NM_015548.5).
Identifiers: ClinVar variation 1306596 (VCV001306596.2), dbSNP rs2152524452, ClinGen allele CA364511313.
Genomic context (GRCh38, chr6:56,536,778, plus strand): 5'-CACCACAAATGCTCATGAATAATAATCAGCAAAATAGCAATGAAGGGGGTGAGAAAATTA[C>A]CTTCTTATTGAGAGTCTTCCACCGTGCATTGACATCATCCAGGTCATGCTCCAAGCCCTG-3'

ClinVar aggregate classification (germline): Uncertain significance (1 of 4 stars; one submission).

Submission:

GeneDx
Classification: Uncertain significance. Last evaluated: 2019-07-09. Review status: criteria provided, single submitter. Criteria: GeneDx Variant Classification Process June 2021. Collection method: clinical testing. Allele origin: germline. Affected: yes.
Comment: Canonical splice site variant predicted to result in an in-frame deletion of exon 56; Not observed in large population cohorts (Lek et al., 2016); Has not been previously published as pathogenic or benign to our knowledge